The following is an entry in ClinVar:

ClinVar aggregate classification (germline): Pathogenic (1 of 4 stars; one submission).

Conditions:
Primary ciliary dyskinesia. Also called: Ciliary dyskinesia. Identifiers: Orphanet 244, MedGen C0008780, MONDO:0016575, HP:0012265.

Submission:

Labcorp Genetics (formerly Invitae), Labcorp
Classification: Pathogenic for Primary ciliary dyskinesia. Last evaluated: 2025-07-16. Review status: criteria provided, single submitter. Criteria: Invitae Variant Classification Sherloc (09022015). Collection method: clinical testing. Allele origin: germline.
Comment: This sequence change creates a premature translational stop signal (p.Lys1101Ilefs*8) in the RPGR (ORF15) gene. While this is not anticipated to result in nonsense mediated decay, it is expected to disrupt the last 52 amino acid(s) of the RPGR (ORF15) protein. This variant is not present in population databases (gnomAD no frequency). This variant has not been reported in the literature in individuals affected with RPGR (ORF15)-related conditions. This variant disrupts a region of the RPGR (ORF15) protein in which other variant(s) (p.Leu1130*) have been determined to be pathogenic (internal data). This suggests that this is a clinically significant region of the protein, and that variants that disrupt it are likely to be disease-causing. For these reasons, this variant has been classified as Pathogenic.

NM_001034853.2(RPGR):c.3302_3306del (p.Lys1101fs)

Gene: RPGR (retinitis pigmentosa GTPase regulator; minus strand). Cytogenetic location: Xp11.4.
Variant type: Deletion.
Coding change: c.3302_3306del on transcript NM_001034853.2 (MANE Select); coding-DNA positions 3302 to 3306, 5 bases deleted (AAACA; older notation c.3302_3306delAAACA).
Protein change: p.Lys1101fs; shifts the reading frame from lysine 1101.
Molecular consequence: frameshift variant. On other transcripts: intron variant (8).
Genome position (GRCh38, 1-based): chrX:38,285,693-38,285,697, TGTTT deleted on the plus strand (AAACA on the coding strand, the reverse complement: RPGR is on the minus strand); deleting any 5 consecutive bases within chrX:38,285,693-38,285,698 gives the same sequence; the c. name uses the placement nearest the transcript's 3' end. VCF-style (leftmost placement, unchanged base first): chrX-38285692-ATGTTT-A. GRCh37 (hg19) VCF-style: chrX-38144945-ATGTTT-A.
Other names: c.1569+5262_1569+5266del (NM_001367249.1, NM_001367250.1); c.1902+1397_1902+1401del (NM_001367245.1); c.1386+5262_1386+5266del (NM_001367251.1); c.1719+1397_1719+1401del (NM_001367246.1); c.1572+5262_1572+5266del (NM_001367247.1); c.1905+1397_1905+1401del (NM_000328.3); c.1602+5262_1602+5266del (NM_001367248.1); short protein forms K1101fs.
Identifiers: ClinVar variation 4723403 (VCV004723403.1).